The following is an entry in ClinVar:

NM_001376.5(DYNC1H1):c.183C>T (p.Ala61=)

Gene: DYNC1H1 (dynein cytoplasmic 1 heavy chain 1; plus strand). Cytogenetic location: 14q32.31.
Variant type: single nucleotide variant.
Coding change: c.183C>T on transcript NM_001376.5 (MANE Select); coding-DNA position 183, C replaced by T.
Protein change: p.Ala61=; no amino-acid change (alanine 61 retained).
Molecular consequence: synonymous variant.
Genome position (GRCh38, 1-based): chr14:101,964,874, C>T. VCF-style: chr14-101964874-C-T. GRCh37 (hg19) VCF-style: chr14-102431211-C-T.
Other names: p.Ala61=.
Identifiers: ClinVar variation 1122579 (VCV001122579.34), dbSNP rs554497564, ClinGen allele CA7351458.

ClinVar aggregate classification (germline): Likely benign. Review status: criteria provided, multiple submitters, no conflicts (2 of 4 stars). 5 submissions from 5 submitters: Likely benign (5). Last evaluated 2026-07-01.

Conditions:
Charcot-Marie-Tooth disease axonal type 2O. Also called: CHARCOT-MARIE-TOOTH NEUROPATHY, AXONAL, TYPE 2O; CHARCOT-MARIE-TOOTH DISEASE, AXONAL, AUTOSOMAL DOMINANT, TYPE 2O; Charcot-Marie-Tooth Neuropathy Type 2O; Charcot-Marie-Tooth disease, axonal, type 20. Identifiers: Orphanet 284232, MedGen C3280220, MONDO:0013644, OMIM 614228.

Allele frequency attached by ClinVar (database versions not stated): 1000 Genomes Project 30x 0.00016; 1000 Genomes Project 0.00020.
gnomAD v4.1: 53 of 1,598,332 alleles (0.0033%); highest among the groups gnomAD compares: Non-Finnish European, 0.004%; no homozygotes.

Submissions (5):

CeGaT Center for Human Genetics Tuebingen
Classification: Likely benign. Last evaluated: 2026-07-01. Review status: criteria provided, single submitter. Criteria: CeGaT Center For Human Genetics Tuebingen Variant Classification Criteria Version 2. Collection method: clinical testing. Allele origin: germline. Affected: yes. Observed: 2 variant alleles.
Comment: DYNC1H1: BP4, BP7

Labcorp Genetics (formerly Invitae), Labcorp
Classification: Likely benign for Charcot-Marie-Tooth disease axonal type 2O. Last evaluated: 2025-10-19. Review status: criteria provided, single submitter. Criteria: Invitae Variant Classification Sherloc (09022015). Collection method: clinical testing. Allele origin: germline.

Mayo Clinic Laboratories, Mayo Clinic
Classification: Likely benign. Last evaluated: 2025-03-26. Review status: criteria provided, single submitter. Criteria: ACMG Guidelines, 2015. Collection method: clinical testing. Allele origin: germline. Observed: 1 variant allele.
Comment: BP4, BP7

Blueprint Genetics
Classification: Likely benign. Last evaluated: 2024-11-13. Review status: criteria provided, single submitter. Criteria: ACMG Guidelines, 2015. Collection method: clinical testing. Allele origin: germline.

GeneDx
Classification: Likely benign. Last evaluated: 2020-07-10. Review status: criteria provided, single submitter. Criteria: GeneDx Variant Classification Process June 2021. Collection method: clinical testing. Allele origin: germline. Affected: yes.